The following is an entry in ClinVar:

NM_014727.3(KMT2B):c.1942C>T (p.Arg648Trp)

Gene: KMT2B (lysine methyltransferase 2B; plus strand). Cytogenetic location: 19q13.12.
Variant type: single nucleotide variant.
Coding change: c.1942C>T on transcript NM_014727.3 (MANE Select); coding-DNA position 1942, C replaced by T.
Protein change: p.Arg648Trp; replaces arginine 648 with tryptophan.
Molecular consequence: missense variant.
Genome position (GRCh38, 1-based): chr19:35,721,289, C>T. VCF-style: chr19-35721289-C-T. GRCh37 (hg19) VCF-style: chr19-36212191-C-T.
Other names: short protein forms R648W.
Identifiers: ClinVar variation 1331117 (VCV001331117.2), dbSNP rs1313945983, ClinGen allele CA405394816.

ClinVar aggregate classification (germline): Uncertain significance (1 of 4 stars; one submission).

Allele frequency attached by ClinVar (database versions not stated): TOPMed below 0.00001; gnomAD 0.00001.
gnomAD v4.1: 1 of 1,541,962 alleles (0.000065%); highest among the groups gnomAD compares: Non-Finnish European, 0.000087%; no homozygotes.

Submission:

GeneDx
Classification: Uncertain significance. Last evaluated: 2021-06-28. Review status: criteria provided, single submitter. Criteria: GeneDx Variant Classification Process June 2021. Collection method: clinical testing. Allele origin: germline. Affected: yes.
Comment: Not observed at significant frequency in large population cohorts (Lek et al., 2016); In silico analysis supports that this missense variant has a deleterious effect on protein structure/function; Has not been previously published as pathogenic or benign to our knowledge; This variant is associated with the following publications: (PMID: 27535533)